The following is an entry in ClinVar:

ClinVar aggregate classification (germline): Uncertain significance (1 of 4 stars; one submission).

Conditions:
Nephronophthisis 15 (NPHP15). Identifiers: Orphanet 3156, MedGen C3541853, MONDO:0013917, OMIM 614845.

Submission:

Labcorp Genetics (formerly Invitae), Labcorp
Classification: Uncertain significance for Nephronophthisis 15. Last evaluated: 2024-12-02. Review status: criteria provided, single submitter. Criteria: Invitae Variant Classification Sherloc (09022015). Collection method: clinical testing. Allele origin: germline.
Comment: This sequence change replaces glutamic acid, which is acidic and polar, with valine, which is neutral and non-polar, at codon 1202 of the CEP164 protein (p.Glu1202Val). This variant is not present in population databases (gnomAD no frequency). This variant has not been reported in the literature in individuals affected with CEP164-related conditions. ClinVar contains an entry for this variant (Variation ID: 849788). Invitae Evidence Modeling of protein sequence and biophysical properties (such as structural, functional, and spatial information, amino acid conservation, physicochemical variation, residue mobility, and thermodynamic stability) has been performed for this missense variant. However, the output from this modeling did not meet the statistical confidence thresholds required to predict the impact of this variant on CEP164 protein function. Algorithms developed to predict the effect of sequence changes on RNA splicing suggest that this variant may disrupt the consensus splice site. In summary, the available evidence is currently insufficient to determine the role of this variant in disease. Therefore, it has been classified as a Variant of Uncertain Significance.

NM_014956.5(CEP164):c.3605A>T (p.Glu1202Val)

Gene: CEP164 (centrosomal protein 164; plus strand). Cytogenetic location: 11q23.3.
Variant type: single nucleotide variant.
Coding change: c.3605A>T on transcript NM_014956.5 (MANE Select); coding-DNA position 3605, A replaced by T.
Protein change: p.Glu1202Val; replaces glutamic acid 1202 with valine.
Molecular consequence: missense variant.
Genome position (GRCh38, 1-based): chr11:117,408,028, A>T. VCF-style: chr11-117408028-A-T. GRCh37 (hg19) VCF-style: chr11-117278744-A-T.
Other names: c.3614A>T, p.Glu1205Val (NM_001271933.2); short protein forms E1202V, E1205V.
Identifiers: ClinVar variation 849788 (VCV000849788.9), dbSNP rs2046909808, ClinGen allele CA382740928.